The following is an entry in ClinVar:

ClinVar aggregate classification (germline): Pathogenic (1 of 4 stars; one submission).

Conditions:
Retinitis pigmentosa 25 (RP25). Identifiers: Orphanet 791, MedGen C1864446, MONDO:0011272, OMIM 602772.

Submission:

Broad Center for Mendelian Genomics, Broad Institute of MIT and Harvard
Classification: Pathogenic for Retinitis pigmentosa 25. Last evaluated: 2023-08-24. Review status: criteria provided, single submitter. Criteria: ACMG/ClinGen CNV Guidelines, 2019. Collection method: research. Allele origin: unknown. Inheritance: Autosomal recessive inheritance. Affected: yes.
Comment: A heterozygous deletion of exons 15-18 in EYS (NM_001142800.2) was identified by exome sequencing in two individuals with retinitis pigmentosa in the compound heterozygous state, along with a known likely pathogenic or pathogenic variant (Variation ID: 189230, 236448) ([GRCh 38] chr6:64902016_64946012x1)(PMID: 34906470). These breakpoints have been estimated by exome sequencing only and therefore may not reflect the true breakpoints. Inheritance information is unavailable. The patient phenotypes are nonspecific, but are consistent with cases described in the literature and/or published databases with overlapping variants. An exon 15-18 deletion in EYS has been reported in ClinVar (Variation ID: 640456) and has been interpreted as likely pathogenic by Invitae. This exon deletion has also been reported in the literature in at least 3 individuals with retinal degeneration (PMID: 27735924, 28378820, 28704921). Of the 3 affected individuals, at least 2 were compound heterozygotes that carried a reported likely pathogenic variant in trans or with unknown phase, which increases the likelihood that the deletion is pathogenic (Variation ID: 647784, 197186; PMID: 27735924, 28704921). This intragenic variant is predicted to cause a frameshift, which alters the protein’s amino acid sequence beginning at exon 15 and leads to a premature termination codon. This alteration is then predicted to lead to a truncated or absent protein. Loss of function of EYS is an established disease mechanism in autosomal recessive retinitis pigmentosa. In summary, this variant meets criteria to be classified as pathogenic for autosomal recessive retinitis pigmentosa. The ACMG/ClinGen evidence codes and points used in this curation are as follows: 1: 0 points, 2: 0.90 points, 3: 0 points, 4-5: 0.68 points; Total: 1.58 points; Riggs 2020 (PMID: 31690835).

Literature cited by the submitters: PubMed 34906470; PubMed 27735924; PubMed 28378820; PubMed 28704921.

GRCh38/hg38 6q12(chr6:64902016-64946012)x1

Gene: EYS (eyes shut homolog; minus strand). Cytogenetic location: 6q12.
Variant type: copy number loss.
Change: copy number 1 (one copy instead of two) of chr6:64,902,016-64,946,012 (44.0 kb, GRCh38 coordinates, 1-based), cytogenetic band 6q12.
Identifiers: ClinVar variation 2579231 (VCV002579231.1).